The following is an entry in ClinVar:

NM_030957.4(ADAMTS10):c.1265C>T (p.Ala422Val)

Gene: ADAMTS10 (ADAM metallopeptidase with thrombospondin type 1 motif 10; minus strand). Cytogenetic location: 19p13.2.
Variant type: single nucleotide variant.
Coding change: c.1265C>T on transcript NM_030957.4 (MANE Select); coding-DNA position 1265, C replaced by T.
Protein change: p.Ala422Val; replaces alanine 422 with valine.
Molecular consequence: missense variant.
Genome position (GRCh38, 1-based): chr19:8,596,145, G>A on the plus strand (C>T on the coding strand, the complement: ADAMTS10 is on the minus strand). VCF-style: chr19-8596145-G-A. GRCh37 (hg19) VCF-style: chr19-8661029-G-A.
Other names: p.Ala422Val; short protein forms A422V.
Identifiers: ClinVar variation 861849 (VCV000861849.11), dbSNP rs138620046, ClinGen allele CA9160563.

ClinVar aggregate classification (germline): Conflicting classifications of pathogenicity. Review status: criteria provided, conflicting classifications (1 of 4 stars). 5 submissions from 5 submitters: Uncertain significance (4); Likely benign (1). Last evaluated 2024-11-04.

Conditions:
Inborn genetic diseases. Identifiers: MedGen C0950123, MeSH D030342.
Weill-Marchesani syndrome. Also called: WM Syndrome; Mesodermal dysmorphodystrophy congenital. Identifiers: Orphanet 3449, MedGen C0265313, MONDO:0018096.

Allele frequency attached by ClinVar (database versions not stated): gnomAD exomes 0.00028 and 0.00064; ExAC 0.00030; gnomAD 0.00040 and 0.00044; TOPMed 0.00041; ESP Exome Variant Server 0.00054.
gnomAD v4.1: 983 of 1,614,064 alleles (0.061%); highest among the groups gnomAD compares: Non-Finnish European, 0.079%; 1 homozygote.

Submissions (5):

Blueprint Genetics
Classification: Likely benign. Last evaluated: 2024-11-04. Review status: criteria provided, single submitter. Criteria: ACMG Guidelines, 2015. Collection method: clinical testing. Allele origin: germline.

Mayo Clinic Laboratories, Mayo Clinic
Classification: Uncertain significance. Last evaluated: 2024-09-05. Review status: criteria provided, single submitter. Criteria: ACMG Guidelines, 2015. Collection method: clinical testing. Allele origin: germline. Observed: 1 variant allele.
Comment: PP2

Labcorp Genetics (formerly Invitae), Labcorp
Classification: Uncertain significance. Last evaluated: 2024-01-19. Review status: criteria provided, single submitter. Criteria: Invitae Variant Classification Sherloc (09022015). Collection method: clinical testing. Allele origin: germline.
Comment: This sequence change replaces alanine, which is neutral and non-polar, with valine, which is neutral and non-polar, at codon 422 of the ADAMTS10 protein (p.Ala422Val). This variant is present in population databases (rs138620046, gnomAD 0.05%), including at least one homozygous and/or hemizygous individual. This variant has not been reported in the literature in individuals affected with ADAMTS10-related conditions. ClinVar contains an entry for this variant (Variation ID: 861849). An algorithm developed to predict the effect of missense changes on protein structure and function (PolyPhen-2) suggests that this variant is likely to be disruptive. In summary, the available evidence is currently insufficient to determine the role of this variant in disease. Therefore, it has been classified as a Variant of Uncertain Significance.

Ambry Genetics
Classification: Uncertain significance for Inborn genetic diseases. Last evaluated: 2021-12-23. Review status: criteria provided, single submitter. Criteria: Ambry Variant Classification Scheme 2023. Collection method: clinical testing. Allele origin: germline.

Illumina Laboratory Services, Illumina
Classification: Uncertain significance for Weill-Marchesani syndrome. Last evaluated: 2017-04-27. Review status: criteria provided, single submitter. Criteria: ICSL Variant Classification Criteria 13 December 2019. Collection method: clinical testing. Allele origin: germline.

Literature cited by the submitters: PubMed 32537296 (cited by Mayo Clinic Laboratories, Mayo Clinic).